The following is an entry in ClinVar:

ClinVar aggregate classification (germline): Likely pathogenic. Review status: criteria provided, single submitter (1 of 4 stars). 2 submissions from 1 submitter: Likely pathogenic (1). 1 of the submissions does not count toward it. Last evaluated 2024-03-25.

Conditions:
Bardet-Biedl syndrome 2 (BBS2). Identifiers: Orphanet 110, MedGen C2936863, MONDO:0014432, OMIM 615981.

Submissions (2):

Genomic Medicine Center of Excellence, King Faisal Specialist Hospital and Research Centre
Classification: Likely pathogenic for Bardet-Biedl syndrome 2. Last evaluated: 2024-03-25. Review status: criteria provided, single submitter. Criteria: ACMG Guidelines, 2015. Collection method: clinical testing. Allele origin: germline.

Genomic Medicine Center of Excellence, King Faisal Specialist Hospital and Research Centre
Classification: Likely pathogenic for Bardet-Biedl syndrome 2. Review status: flagged submission. Collection method: research. Allele origin: germline. Affected: yes. Not counted in ClinVar's aggregate classification.
ClinVar note: Reason: This record appears to be redundant with a more recent record from the same submitter.
ClinVar note: Notes: SCV001338712 appears to be redundant with SCV004806444.

NM_031885.5(BBS2):c.365del (p.Ala122fs)

Gene: BBS2 (Bardet-Biedl syndrome 2; minus strand). Cytogenetic location: 16q13.
Variant type: Deletion.
Coding change: c.365del on transcript NM_031885.5 (MANE Select); coding-DNA position 365, one base deleted (C; older notation c.365delC).
Protein change: p.Ala122fs; shifts the reading frame from alanine 122.
Molecular consequence: frameshift variant. On other transcripts: non-coding transcript variant (5).
Genome position (GRCh38, 1-based): chr16:56,511,265, G deleted on the plus strand (C on the coding strand, the reverse complement: BBS2 is on the minus strand). VCF-style (leftmost placement, unchanged base first): chr16-56511264-TG-T. GRCh37 (hg19) VCF-style: chr16-56545176-TG-T.
Other names: c.365del, p.Ala122fs (NM_001377456.1); short protein forms A122fs.
Identifiers: ClinVar variation 917922 (VCV000917922.2), dbSNP rs1964569500, ClinGen allele CA1139664713.